The following is an entry in ClinVar:

NC_012920.1(MT-CYB):m.15152G>A

Gene: MT-CYB (mitochondrially encoded cytochrome b; plus strand).
Variant type: single nucleotide variant.
Genome position: chrM-15152-G-A.
Identifiers: ClinVar variation 693833 (VCV000693833.2), dbSNP rs1603225113, ClinGen allele CA913173087.

ClinVar aggregate classification (germline): Uncertain significance (1 of 4 stars; one submission).

Conditions:
Leigh syndrome (NULS). Also called: Leigh's necrotizing encephalopathy; Leigh's disease; Leigh's syndrome; LEIGH SYNDROME, NUCLEAR; Leigh Syndrome (mtDNA deletion); Leigh Disease. Identifiers: Orphanet 506, MedGen C2931891, MONDO:0009723, OMIM 256000.

Submission:

Wong Mito Lab, Molecular and Human Genetics, Baylor College of Medicine
Classification: Uncertain significance for Leigh syndrome. Last evaluated: 2019-10-17. Review status: criteria provided, single submitter. Criteria: Modified ACMG Guidelines (Unpublished). Collection method: clinical testing. Allele origin: germline.
Comment: The NC_012920.1:m.15152G>A (YP_003024038.1:p.Gly136Ser) variant in MTCYB gene is interpretated to be a Uncertain Significance variant based on the modified ACMG guidelines (unpublished). This variant meets the following evidence codes: PP6